The following is an entry in ClinVar:

NM_018006.5(TRMU):c.417dup (p.Glu140Ter)

Gene: TRMU (tRNA mitochondrial 2-thiouridylase; plus strand). Cytogenetic location: 22q13.31.
Variant type: Duplication.
Coding change: c.417dup on transcript NM_018006.5 (MANE Select); coding-DNA position 417, one base duplicated (T; older notation c.417dupT).
Protein change: p.Glu140Ter; replaces glutamic acid 140 with a stop codon.
Molecular consequence: nonsense. On other transcripts: frameshift variant (3), non-coding transcript variant (2).
Genome position (GRCh38, 1-based): chr22:46,346,483, T duplicated; the last of 3 consecutive T bases (chr22:46,346,481-46,346,483); duplicating any one gives the same sequence. VCF-style (leftmost placement, unchanged base first): chr22-46346480-C-CT. GRCh37 (hg19) VCF-style: chr22-46742377-C-CT.
Other names: c.417dup, p.Glu140Terfs (NM_001008568.2); c.*10dup (NM_001008570.2); c.75dup, p.Glu26Ter (NM_001282782.2); c.56dup, p.Leu19fs (NM_001282783.2, NM_001282784.2); c.417dup, p.Glu140Ter (NM_001282785.2); short protein forms E26*, L19fs, E140*.
Identifiers: ClinVar variation 2811643 (VCV002811643.3), dbSNP rs2078261207, ClinGen allele CA2739265688.
Genomic context (GRCh38, chr22:46,346,480, plus strand): 5'-AGGGGCAGATGCCATTGCCACAGGTCACTATGCAAGAACTTCCCTGGAAGATGAAGAAGT[C>CT]TTTGAGCAGAAGCACGTTAAGAAGCCCGAAGGGCTTTTCAGAAATCGGTTTGAAGTTAGA-3'

ClinVar aggregate classification (germline): Pathogenic (1 of 4 stars; one submission).

Submission:

Labcorp Genetics (formerly Invitae), Labcorp
Classification: Pathogenic. Last evaluated: 2022-11-02. Review status: criteria provided, single submitter. Criteria: Invitae Variant Classification Sherloc (09022015). Collection method: clinical testing. Allele origin: germline.
Comment: This sequence change creates a premature translational stop signal (p.Glu140*) in the TRMU gene. It is expected to result in an absent or disrupted protein product. Loss-of-function variants in TRMU are known to be pathogenic (PMID: 19732863, 23625533). This variant is not present in population databases (gnomAD no frequency). This variant has not been reported in the literature in individuals affected with TRMU-related conditions. For these reasons, this variant has been classified as Pathogenic.

Literature cited by the submitters: PubMed 19732863; PubMed 23625533.